The following is an entry in ClinVar:

ClinVar aggregate classification (germline): Conflicting classifications of pathogenicity. Review status: criteria provided, conflicting classifications (1 of 4 stars). 13 submissions from 12 submitters: Uncertain significance (1); Benign (1); Likely benign (8). 3 of the submissions do not count toward it. Last evaluated 2026-04-02.

Conditions:
JUP-related disorder. Also called: JUP-related condition.
Cardiovascular phenotype. Identifiers: MedGen CN230736.
Naxos disease (NXD). Also called: CARDIOMYOPATHY, ARRHYTHMOGENIC RIGHT VENTRICULAR, WITH SKIN, HAIR, AND NAIL ABNORMALITIES; KERATOSIS PALMOPLANTARIS WITH ARRHYTHMOGENIC CARDIOMYOPATHY; MAL DE NAXOS; PALMOPLANTAR KERATODERMA WITH ARRHYTHMOGENIC RIGHT VENTRICULAR CARDIOMYOPATHY AND WOOLLY HAIR; WOOLLY HAIR, PALMOPLANTAR KERATODERMA, AND CARDIAC ABNORMALITIES. Identifiers: Orphanet 34217, MedGen C1832600, MONDO:0011017, OMIM 601214.
Arrhythmogenic right ventricular dysplasia 12. Also called: ARRHYTHMOGENIC RIGHT VENTRICULAR DYSPLASIA, FAMILIAL, 12. Identifiers: MedGen C1969081, MONDO:0012684, OMIM 611528.
Cardiomyopathy (CMYO). Also called: Cardiomyopathies. Identifiers: Orphanet 167848, MedGen C0878544, MONDO:0004994, HP:0001638. Inheritance: Various modes of inheritance.

Allele frequency attached by ClinVar (database versions not stated): ExAC 0.00005; gnomAD exomes 0.00008; TOPMed 0.00008; gnomAD 0.00011 and 0.00012; ESP Exome Variant Server 0.00015.
gnomAD v4.1: 146 of 1,614,078 alleles (0.009%); highest among the groups gnomAD compares: Non-Finnish European, 0.012%; no homozygotes.

Submissions (13):

Women's Health and Genetics/Laboratory Corporation of America, LabCorp
Classification: Benign. Last evaluated: 2026-04-02. Review status: criteria provided, single submitter. Criteria: LabCorp Variant Classification Summary - May 2015. Collection method: clinical testing. Allele origin: germline.

Labcorp Genetics (formerly Invitae), Labcorp
Classification: Likely benign for Arrhythmogenic right ventricular dysplasia 12; Naxos disease. Last evaluated: 2026-01-28. Review status: criteria provided, single submitter. Criteria: Invitae Variant Classification Sherloc (09022015). Collection method: clinical testing. Allele origin: germline.

Mayo Clinic Laboratories, Mayo Clinic
Classification: Likely benign. Last evaluated: 2025-01-11. Review status: criteria provided, single submitter. Criteria: ACMG Guidelines, 2015. Collection method: clinical testing. Allele origin: germline. Observed: 2 variant alleles.
Comment: BP4, BP7

Blueprint Genetics
Classification: Likely benign. Last evaluated: 2024-10-11. Review status: criteria provided, single submitter. Criteria: ACMG Guidelines, 2015. Collection method: clinical testing. Allele origin: germline.

CHEO Genetics Diagnostic Laboratory, Children's Hospital of Eastern Ontario
Classification: Likely benign for Cardiomyopathy. Last evaluated: 2021-11-15. Review status: criteria provided, single submitter. Criteria: ACMG Guidelines, 2015. Collection method: clinical testing. Allele origin: germline.

GeneDx
Classification: Likely benign. Last evaluated: 2019-08-02. Review status: criteria provided, single submitter. Criteria: GeneDx Variant Classification Process June 2021. Collection method: clinical testing. Allele origin: germline. Affected: yes.

Ambry Genetics
Classification: Likely benign for Cardiovascular phenotype. Last evaluated: 2017-09-07. Review status: criteria provided, single submitter. Criteria: Ambry Variant Classification Scheme 2023. Collection method: clinical testing. Allele origin: germline.

Illumina Laboratory Services, Illumina
Classification: Likely benign for Arrhythmogenic right ventricular dysplasia 12. Last evaluated: 2017-04-27. Review status: criteria provided, single submitter. Criteria: ICSL Variant Classification Criteria 13 December 2019. Collection method: clinical testing. Allele origin: germline.
Comment: This variant was observed as part of a predisposition screen in an ostensibly healthy population. A literature search was performed for the gene, cDNA change, and amino acid change (where applicable). No publications were found based on this search. Allele frequency data from public databases allowed determination this variant is unlikely to cause disease. Therefore, this variant is classified as likely benign.

Illumina Laboratory Services, Illumina
Classification: Uncertain significance for Naxos disease. Last evaluated: 2017-04-27. Review status: criteria provided, single submitter. Criteria: ICSL Variant Classification Criteria 13 December 2019. Collection method: clinical testing. Allele origin: germline.

Laboratory for Molecular Medicine, Mass General Brigham Personalized Medicine
Classification: Likely benign. Last evaluated: 2012-03-19. Review status: criteria provided, single submitter. Criteria: LMM Criteria. Collection method: clinical testing. Allele origin: germline. Observed: 1 variant allele.
Comment: Ser653Ser in exon 12 of JUP: This variant is not expected to have clinical signi ficance because it does not alter an amino acid residue and is not located withi n the splice consensus sequence. It has been identified in 1/7020 European Ameri can chromosomes from a broad population by the NHLBI Exome Sequencing Project. Ser653Ser in exon 12 of JUP (allele frequency = 1/7020) **

PreventionGenetics, part of Exact Sciences
Classification: Likely benign for JUP-related condition. Last evaluated: 2020-05-30. Review status: no assertion criteria provided. Collection method: clinical testing. Allele origin: germline. Not counted in ClinVar's aggregate classification.
Comment: This variant is classified as likely benign based on ACMG/AMP sequence variant interpretation guidelines (Richards et al. 2015 PMID: 25741868, with internal and published modifications).

Clinical Genetics, Academic Medical Center
Classification: Benign. Review status: no assertion criteria provided. Collection method: clinical testing. Allele origin: germline. Affected: yes. Study: VKGL Data-share Consensus. Not counted in ClinVar's aggregate classification.

Joint Genome Diagnostic Labs from Nijmegen and Maastricht, Radboudumc and MUMC+
Classification: Likely benign. Review status: no assertion criteria provided. Collection method: clinical testing. Allele origin: germline. Affected: yes. Study: VKGL Data-share Consensus. Not counted in ClinVar's aggregate classification.

NM_002230.4(JUP):c.1959C>T (p.Ser653=)

Gene: JUP (junction plakoglobin; minus strand). Cytogenetic location: 17q21.2.
Variant type: single nucleotide variant.
Coding change: c.1959C>T on transcript NM_002230.4 (MANE Select); coding-DNA position 1959, C replaced by T.
Protein change: p.Ser653=; no amino-acid change (serine 653 retained).
Molecular consequence: synonymous variant.
Genome position (GRCh38, 1-based): chr17:41,757,502, G>A on the plus strand (C>T on the coding strand, the complement: JUP is on the minus strand). VCF-style: chr17-41757502-G-A. GRCh37 (hg19) VCF-style: chr17-39913754-G-A.
Other names: p.Ser653=; c.1959C>T, p.Ser653= (NM_001352773.2, NM_001352774.2, NM_001352775.2 and 3 more transcripts).
Identifiers: ClinVar variation 178040 (VCV000178040.44), dbSNP rs375451560, ClinGen allele CA181254.